The following is an entry in ClinVar:

ClinVar aggregate classification (germline): Uncertain significance (1 of 4 stars; one submission).

Conditions:
Agammaglobulinemia 7, autosomal recessive (AGM7). Also called: AGAMMAGLOBULINEMIA, AUTOSOMAL RECESSIVE, DUE TO PIK3R1 DEFECT. Identifiers: MedGen C3554689, MONDO:0014083, OMIM 615214.
Immunodeficiency 36 with lymphoproliferation. Also called: Immunodeficiency 36; ACTIVATED PI3K-DELTA SYNDROME 2; Activated PI3K Delta Syndrome Type 2 (APDS2). Identifiers: Orphanet 397596, Orphanet 693681, MedGen C4014934, MONDO:0014453, OMIM 616005.
SHORT syndrome. Also called: PIK3R1-Related SHORT Syndrome; SHORT STATURE, HYPEREXTENSIBILITY, HERNIA, OCULAR DEPRESSION, RIEGER ANOMALY, AND TEETHING DELAY; LIPODYSTROPHY, PARTIAL, WITH RIEGER ANOMALY AND SHORT STATURE. Identifiers: Orphanet 3163, MedGen C0878684, MONDO:0010026, OMIM 269880.

Allele frequency attached by ClinVar (database versions not stated): TOPMed 0.00002.
gnomAD v4.1: 60 of 1,612,242 alleles (0.0037%); highest among the groups gnomAD compares: Non-Finnish European, 0.005%; no homozygotes.

Submission:

Labcorp Genetics (formerly Invitae), Labcorp
Classification: Uncertain significance for SHORT syndrome; Immunodeficiency 36 with lymphoproliferation; Agammaglobulinemia 7, autosomal recessive. Last evaluated: 2025-02-16. Review status: criteria provided, single submitter. Criteria: Invitae Variant Classification Sherloc (09022015). Collection method: clinical testing. Allele origin: germline.
Comment: This sequence change replaces serine, which is neutral and polar, with leucine, which is neutral and non-polar, at codon 229 of the PIK3R1 protein (p.Ser229Leu). This variant is present in population databases (rs201598843, gnomAD 0.004%). This variant has not been reported in the literature in individuals affected with PIK3R1-related conditions. ClinVar contains an entry for this variant (Variation ID: 855725). An algorithm developed to predict the effect of missense changes on protein structure and function (PolyPhen-2) suggests that this variant is likely to be tolerated. In summary, the available evidence is currently insufficient to determine the role of this variant in disease. Therefore, it has been classified as a Variant of Uncertain Significance.

NM_181523.3(PIK3R1):c.686C>T (p.Ser229Leu)

Gene: PIK3R1 (phosphoinositide-3-kinase regulatory subunit 1; plus strand). Cytogenetic location: 5q13.1.
Variant type: single nucleotide variant.
Coding change: c.686C>T on transcript NM_181523.3 (MANE Select); coding-DNA position 686, C replaced by T.
Protein change: p.Ser229Leu; replaces serine 229 with leucine.
Molecular consequence: missense variant.
Genome position (GRCh38, 1-based): chr5:68,280,579, C>T. VCF-style: chr5-68280579-C-T. GRCh37 (hg19) VCF-style: chr5-67576407-C-T.
Other names: short protein forms S229L.
Identifiers: ClinVar variation 855725 (VCV000855725.10), dbSNP rs201598843, ClinGen allele CA3290124.